The following is an entry in ClinVar:

NM_001308093.3(GATA4):c.34G>T (p.Gly12Trp)

Gene: GATA4 (GATA binding protein 4). Cytogenetic location: 8p23.1.
Variant type: single nucleotide variant.
Coding change: c.34G>T on transcript NM_001308093.3 (MANE Select); coding-DNA position 34, G replaced by T.
Protein change: p.Gly12Trp; replaces glycine 12 with tryptophan.
Molecular consequence: missense variant. On other transcripts: intron variant (3).
Genome position (GRCh38, 1-based): chr8:11,708,346, G>T. VCF-style: chr8-11708346-G-T. GRCh37 (hg19) VCF-style: chr8-11565855-G-T.
Other names: c.34G>T, p.Gly12Trp (NM_002052.5); c.-6+7568G>T (NM_001308094.2); c.-3+332G>T (NM_001374274.1); c.-3+4042G>T (NM_001374273.1); c.34G>T (NM_002052.3); short protein forms G12W.
Identifiers: ClinVar variation 2140097 (VCV002140097.5), dbSNP rs750597721, ClinGen allele CA370308550.

ClinVar aggregate classification (germline): Uncertain significance. Review status: criteria provided, multiple submitters, no conflicts (2 of 4 stars). 2 submissions from 2 submitters: Uncertain significance (2). Last evaluated 2025-10-27.

Conditions:
Cardiovascular phenotype. Identifiers: MedGen CN230736.
Atrioventricular septal defect 4 (AVSD4). Identifiers: MedGen C3280781, MONDO:0013747, OMIM 614430.

gnomAD v4.1: 2 of 1,583,776 alleles (0.00013%); highest among the groups gnomAD compares: African/African-American, 0.0027%; no homozygotes.

Submissions (2):

Ambry Genetics
Classification: Uncertain significance for Cardiovascular phenotype. Last evaluated: 2025-10-27. Review status: criteria provided, single submitter. Criteria: Ambry Variant Classification Scheme 2023. Collection method: clinical testing. Allele origin: germline.
Comment: The p.G12W variant (also known as c.34G>T), located in coding exon 1 of the GATA4 gene, results from a G to T substitution at nucleotide position 34. The glycine at codon 12 is replaced by tryptophan, an amino acid with highly dissimilar properties. This amino acid position is conserved. In addition, this alteration is predicted to be deleterious by in silico analysis. Based on the available evidence, the clinical significance of this variant remains unclear.

Labcorp Genetics (formerly Invitae), Labcorp
Classification: Uncertain significance for Atrioventricular septal defect 4. Last evaluated: 2025-06-20. Review status: criteria provided, single submitter. Criteria: Invitae Variant Classification Sherloc (09022015). Collection method: clinical testing. Allele origin: germline.
Comment: This sequence change replaces glycine, which is neutral and non-polar, with tryptophan, which is neutral and slightly polar, at codon 12 of the GATA4 protein (p.Gly12Trp). The frequency data for this variant in the population databases is considered unreliable, as metrics indicate poor data quality at this position in the gnomAD database. This variant has not been reported in the literature in individuals affected with GATA4-related conditions. ClinVar contains an entry for this variant (Variation ID: 2140097). Invitae Evidence Modeling of protein sequence and biophysical properties (such as structural, functional, and spatial information, amino acid conservation, physicochemical variation, residue mobility, and thermodynamic stability) has been performed for this missense variant. However, the output from this modeling did not meet the statistical confidence thresholds required to predict the impact of this variant on GATA4 protein function. In summary, the available evidence is currently insufficient to determine the role of this variant in disease. Therefore, it has been classified as a Variant of Uncertain Significance.